The following is an entry in ClinVar:

NM_000465.4(BARD1):c.514_515del (p.Asp172fs)

Gene: BARD1 (BRCA1 associated RING domain 1; minus strand). Cytogenetic location: 2q35.
Variant type: Deletion.
Coding change: c.514_515del on transcript NM_000465.4 (MANE Select); coding-DNA positions 514 to 515, 2 bases deleted (GA; older notation c.514_515delGA).
Protein change: p.Asp172fs; shifts the reading frame from aspartic acid 172.
Molecular consequence: frameshift variant. On other transcripts: non-coding transcript variant (2), intron variant (3).
Genome position (GRCh38, 1-based): chr2:214,781,359-214,781,360, TC deleted on the plus strand (GA on the coding strand, the reverse complement: BARD1 is on the minus strand); deleting any 2 consecutive bases within chr2:214,781,359-214,781,361 gives the same sequence; the c. name uses the placement nearest the transcript's 3' end. VCF-style (leftmost placement, unchanged base first): chr2-214781358-ATC-A. GRCh37 (hg19) VCF-style: chr2-215646082-ATC-A.
Other names: c.457_458del, p.Asp153fs (NM_001282543.2); c.158+28052_158+28053del (NM_001282548.2); c.215+15701_215+15702del (NM_001282545.2); c.364+10937_364+10938del (NM_001282549.2); short protein forms D172fs, D153fs.
Identifiers: ClinVar variation 3479729 (VCV003479729.1).

ClinVar aggregate classification (germline): Pathogenic (1 of 4 stars; one submission).

Conditions:
Hereditary cancer-predisposing syndrome. Also called: Tumor predisposition; Neoplastic Syndromes, Hereditary; Hereditary neoplastic syndrome; Hereditary Cancer Syndrome. Identifiers: Orphanet 140162, MedGen C0027672, MeSH D009386, MONDO:0015356.

Submission:

Ambry Genetics
Classification: Pathogenic for Hereditary cancer-predisposing syndrome. Last evaluated: 2024-10-16. Review status: criteria provided, single submitter. Criteria: Ambry Variant Classification Scheme 2023. Collection method: clinical testing. Allele origin: germline.
Comment: The c.514_515delGA pathogenic mutation, located in coding exon 4 of the BARD1 gene, results from a deletion of two nucleotides at nucleotide positions 514 to 515, causing a translational frameshift with a predicted alternate stop codon (p.D172Cfs*9). This variant is considered to be rare based on population cohorts in the Genome Aggregation Database (gnomAD). This alteration is expected to result in loss of function by premature protein truncation or nonsense-mediated mRNA decay. As such, this alteration is interpreted as a disease-causing mutation.